The following is an entry in ClinVar:

NM_000169.3(GLA):c.6G>C (p.Gln2His)

Genes: GLA (galactosidase alpha; minus strand), RPL36A-HNRNPH2 (RPL36A-HNRNPH2 readthrough; plus strand). Cytogenetic location: Xq22.1.
Variant type: single nucleotide variant.
Coding change: c.6G>C on transcript NM_000169.3 (MANE Select); coding-DNA position 6, G replaced by C.
Protein change: p.Gln2His; replaces glutamine 2 with histidine.
Molecular consequence: missense variant. On other transcripts: non-coding transcript variant (3), intron variant (2).
Genome position (GRCh38, 1-based): chrX:101,407,898, C>G on the plus strand (G>C on the coding strand, the complement: GLA is on the minus strand). VCF-style: chrX-101407898-C-G. GRCh37 (hg19) VCF-style: chrX-100662886-C-G.
Other names: c.6G>C, p.Gln2His (NM_001406747.1, NM_001406748.1, NM_001406749.1); c.301-4038C>G (NM_001199973.2); c.178-4038C>G (NM_001199974.2); short protein forms Q2H.
Identifiers: ClinVar variation 2994921 (VCV002994921.3), dbSNP rs782748047, ClinGen allele CA413937924.

ClinVar aggregate classification (germline): Uncertain significance (1 of 4 stars; one submission).

Conditions:
Fabry disease. Also called: Fabry's disease; ALPHA-GALACTOSIDASE A DEFICIENCY; ANDERSON-FABRY DISEASE; CERAMIDE TRIHEXOSIDASE DEFICIENCY; GLA DEFICIENCY; HEREDITARY DYSTOPIC LIPIDOSIS. Identifiers: Orphanet 324, MedGen C0002986, MONDO:0010526, OMIM 301500, HP:0001071. Disease mechanism: Fabry disease is due to inactivating mutations in the X-linked GLA gene resulting in deficiency of the enzyme Alpha Galactosidase-A., loss of function.

Submission:

Labcorp Genetics (formerly Invitae), Labcorp
Classification: Uncertain significance for Fabry disease. Last evaluated: 2023-10-07. Review status: criteria provided, single submitter. Criteria: Invitae Variant Classification Sherloc (09022015). Collection method: clinical testing. Allele origin: germline.
Comment: This sequence change replaces glutamine, which is neutral and polar, with histidine, which is basic and polar, at codon 2 of the GLA protein (p.Gln2His). This variant is not present in population databases (gnomAD no frequency). This variant has not been reported in the literature in individuals affected with GLA-related conditions. Advanced modeling of protein sequence and biophysical properties (such as structural, functional, and spatial information, amino acid conservation, physicochemical variation, residue mobility, and thermodynamic stability) performed at Invitae indicates that this missense variant is expected to disrupt GLA protein function. In summary, the available evidence is currently insufficient to determine the role of this variant in disease. Therefore, it has been classified as a Variant of Uncertain Significance.